The following is an entry in ClinVar:

NM_001378615.1(CC2D2A):c.1694del (p.Glu565fs)

Genes: CC2D2A (coiled-coil and C2 domain containing 2A; plus strand), FBXL5 (F-box and leucine rich repeat protein 5; minus strand). Cytogenetic location: 4p15.32.
Variant type: Deletion.
Coding change: c.1694del on transcript NM_001378615.1 (MANE Select); coding-DNA position 1694, one base deleted (A; older notation c.1694delA).
Protein change: p.Glu565fs; shifts the reading frame from glutamic acid 565.
Molecular consequence: frameshift variant.
Genome position (GRCh38, 1-based): chr4:15,537,006, A deleted. VCF-style (leftmost placement, unchanged base first): chr4-15537005-GA-G. GRCh37 (hg19) VCF-style: chr4-15538628-GA-G.
Other names: c.1694del, p.Glu565fs (NM_001080522.2); c.1547del, p.Glu516fs (NM_001378617.1); short protein forms E516fs, E565fs.
Identifiers: ClinVar variation 5015264 (VCV005015264.1).
Genomic context (GRCh38, chr4:15,537,005, plus strand): 5'-GAAGAAGCATATGAAGCAGAAATTCAAGCTGAAATAAGTGAACTGTTAGAAGAGCACACG[GA>G]GGAGTACGCACAGAAGATGGAAGAATACAGAACGTCGTTACAACAGTGGAAGGCCTGGAG-3'

ClinVar aggregate classification (germline): Pathogenic (1 of 4 stars; one submission).

Conditions:
Joubert syndrome and related disorders. Identifiers: Orphanet 140874, MedGen C5679612, MONDO:0015369.

Submission:

Myriad Genetics, Inc.
Classification: Pathogenic for Joubert syndrome and related disorders. Last evaluated: 2025-11-26. Review status: criteria provided, single submitter. Criteria: Myriad Autosomal Dominant, Autosomal Recessive and X-Linked Classification Criteria (2023). Collection method: clinical testing. Allele origin: unknown.
Comment: NM_001080522.2(CC2D2A):c.1694delA(E565Gfs*53) is expected to be pathogenic in the context of CC2D2A-related disorders. This variant is predicted to lead to an abnormal or absent protein product due to the creation of a premature termination codon in CC2D2A, a gene where loss-of-function variants are known to be pathogenic. Please note: this variant was assessed in the context of healthy population screening.